The following is an entry in ClinVar:

ClinVar aggregate classification (germline): Benign/Likely benign. Review status: criteria provided, multiple submitters, no conflicts (2 of 4 stars). 2 submissions from 2 submitters: Benign (1); Likely benign (1). Last evaluated 2025-02-16.

Conditions:
Leigh syndrome (NULS). Also called: Leigh's necrotizing encephalopathy; Leigh's disease; Leigh Syndrome (mtDNA deletion); Leigh Disease; Subacute necrotizing encephalopathy; Necrotizing encephalopathy infantile subacute of Leigh. Identifiers: Orphanet 506, MedGen C2931891, MONDO:0009723, OMIM 256000.

Submissions (2):

Laboratory of Genetics, Children's Clinical University Hospital Latvia
Classification: Likely benign. Last evaluated: 2025-02-16. Review status: criteria provided, single submitter. Criteria: ACMG Guidelines, 2015. Collection method: clinical testing. Allele origin: germline. Affected: yes.

Wong Mito Lab, Molecular and Human Genetics, Baylor College of Medicine
Classification: Benign for Leigh syndrome. Last evaluated: 2019-10-17. Review status: criteria provided, single submitter. Criteria: Modified ACMG Guidelines (Unpublished). Collection method: clinical testing. Allele origin: germline.
Comment: The NC_012920.1:m.8705T>C (YP_003024031.1:p.Met60Thr) variant in MTATP6 gene is interpretated to be a Benign variant based on the modified ACMG guidelines (unpublished). This variant meets the following evidence codes: BS1, BS2, BP4

NC_012920.1(MT-ATP6):m.8705T>C

Gene: MT-ATP6 (mitochondrially encoded ATP synthase 6; plus strand).
Variant type: single nucleotide variant.
Genome position: chrM-8705-T-C.
Identifiers: ClinVar variation 692957 (VCV000692957.2), dbSNP rs878959404, ClinGen allele CA337097996.